The following is an entry in ClinVar:

ClinVar aggregate classification (germline): Likely benign. Review status: criteria provided, multiple submitters, no conflicts (2 of 4 stars). 2 submissions from 2 submitters: Likely benign (2). Last evaluated 2023-12-30.

Allele frequency attached by ClinVar (database versions not stated): TOPMed 0.00001; gnomAD 0.00003.
gnomAD v4.1: 15 of 1,611,810 alleles (0.00093%); highest among the groups gnomAD compares: Non-Finnish European, 0.0012%; no homozygotes.

Submissions (2):

Labcorp Genetics (formerly Invitae), Labcorp
Classification: Likely benign. Last evaluated: 2023-12-30. Review status: criteria provided, single submitter. Criteria: Invitae Variant Classification Sherloc (09022015). Collection method: clinical testing. Allele origin: germline.

GeneDx
Classification: Likely benign. Last evaluated: 2016-12-16. Review status: criteria provided, single submitter. Criteria: GeneDx Variant Classification (06012015). Collection method: clinical testing. Allele origin: germline. Affected: yes.
Comment: This variant is considered likely benign or benign based on one or more of the following criteria: it is a conservative change, it occurs at a poorly conserved position in the protein, it is predicted to be benign by multiple in silico algorithms, and/or has population frequency not consistent with disease.

NM_012233.3(RAB3GAP1):c.1923+13A>C

Gene: RAB3GAP1 (RAB3 GTPase activating protein catalytic subunit 1; plus strand). Cytogenetic location: 2q21.3.
Variant type: single nucleotide variant.
Coding change: c.1923+13A>C on transcript NM_012233.3 (MANE Select); 13 bases into the intron after coding-DNA position 1923, A replaced by C.
Molecular consequence: intron variant.
Genome position (GRCh38, 1-based): chr2:135,135,945, A>C. VCF-style: chr2-135135945-A-C. GRCh37 (hg19) VCF-style: chr2-135893515-A-C.
Other names: c.1923+13A>C (NM_001172435.2).
Identifiers: ClinVar variation 391782 (VCV000391782.4), dbSNP rs778152367, ClinGen allele CA16603800.